The following is an entry in ClinVar:

ClinVar aggregate classification (germline): Uncertain significance (1 of 4 stars; one submission).

Submission:

GeneDx
Classification: Uncertain significance. Last evaluated: 2024-03-22. Review status: criteria provided, single submitter. Criteria: GeneDx Variant Classification Process June 2021. Collection method: clinical testing. Allele origin: germline. Affected: yes.
Comment: Not observed at significant frequency in large population cohorts (gnomAD); In silico analysis supports that this missense variant has a deleterious effect on protein structure/function; Has not been previously published as pathogenic or benign to our knowledge

NM_001039591.3(USP9X):c.3140T>G (p.Met1047Arg)

Gene: USP9X (ubiquitin specific peptidase 9 X-linked; plus strand). Cytogenetic location: Xp11.4.
Variant type: single nucleotide variant.
Coding change: c.3140T>G on transcript NM_001039591.3 (MANE Select); coding-DNA position 3140, T replaced by G.
Protein change: p.Met1047Arg; replaces methionine 1047 with arginine.
Molecular consequence: missense variant.
Genome position (GRCh38, 1-based): chrX:41,171,950, T>G. VCF-style: chrX-41171950-T-G. GRCh37 (hg19) VCF-style: chrX-41031203-T-G.
Other names: c.3140T>G, p.Met1047Arg (NM_001039590.3); c.3155T>G, p.Met1052Arg (NM_001410748.1, NM_001410749.1); short protein forms M1047R, M1052R.
Identifiers: ClinVar variation 3371474 (VCV003371474.1).